The following is an entry in ClinVar:

ClinVar aggregate classification (germline): Benign/Likely benign. Review status: criteria provided, multiple submitters, no conflicts (2 of 4 stars). 3 submissions from 3 submitters: Benign (1); Likely benign (2). Last evaluated 2025-07-14.

Conditions:
Episodic kinesigenic dyskinesia (EKD). Also called: Paroxysmal kinesigenic dyskinesia. Identifiers: Orphanet 98809, MedGen C1868682, MONDO:0044202.

Allele frequency attached by ClinVar (database versions not stated): gnomAD exomes 0.00003 and 0.00014; gnomAD 0.00004 and 0.00005; TOPMed 0.00006; ExAC 0.00013; 1000 Genomes Project 30x 0.00016; 1000 Genomes Project 0.00020.

Submissions (3):

Labcorp Genetics (formerly Invitae), Labcorp
Classification: Benign for Episodic kinesigenic dyskinesia. Last evaluated: 2025-07-14. Review status: criteria provided, single submitter. Criteria: Invitae Variant Classification Sherloc (09022015). Collection method: clinical testing. Allele origin: germline.

Blueprint Genetics
Classification: Likely benign. Last evaluated: 2023-08-17. Review status: criteria provided, single submitter. Criteria: ACMG Guidelines, 2015. Collection method: clinical testing. Allele origin: germline.

GeneDx
Classification: Likely benign. Last evaluated: 2017-02-16. Review status: criteria provided, single submitter. Criteria: GeneDx Variant Classification (06012015). Collection method: clinical testing. Allele origin: germline. Affected: yes.
Comment: This variant is considered likely benign or benign based on one or more of the following criteria: it is a conservative change, it occurs at a poorly conserved position in the protein, it is predicted to be benign by multiple in silico algorithms, and/or has population frequency not consistent with disease.

NM_145239.3(PRRT2):c.1013-16C>T

Genes: MVP-DT (MVP divergent transcript; minus strand), PRRT2 (proline rich transmembrane protein 2; plus strand). Cytogenetic location: 16p11.2.
Variant type: single nucleotide variant.
Coding change: c.1013-16C>T on transcript NM_145239.3 (MANE Select); 16 bases into the intron before coding-DNA position 1013, C replaced by T.
Molecular consequence: intron variant. On other transcripts: missense variant (1), 3 prime UTR variant (1).
Genome position (GRCh38, 1-based): chr16:29,814,612, C>T. VCF-style: chr16-29814612-C-T. GRCh37 (hg19) VCF-style: chr16-29825933-C-T.
Other names: c.1159C>T, p.Leu387Phe (NM_001256442.2); c.*658C>T (NM_001256443.2); short protein forms L387F.
Identifiers: ClinVar variation 507463 (VCV000507463.10), dbSNP rs539524685, ClinGen allele CA7994671.